The following is an entry in ClinVar:

NM_001367561.1(DOCK7):c.4282+16A>G

Gene: DOCK7 (dedicator of cytokinesis 7; minus strand). Cytogenetic location: 1p31.3.
Variant type: single nucleotide variant.
Coding change: c.4282+16A>G on transcript NM_001367561.1 (MANE Select); 16 bases into the intron after coding-DNA position 4282, A replaced by G.
Molecular consequence: intron variant.
Genome position (GRCh38, 1-based): chr1:62,513,428, T>C on the plus strand (A>G on the coding strand, the complement: DOCK7 is on the minus strand). VCF-style: chr1-62513428-T-C. GRCh37 (hg19) VCF-style: chr1-62979099-T-C.
Other names: c.4162+43A>G (NM_001272001.2, NM_001272000.2); c.4189+16A>G (NM_033407.4); c.4255+43A>G (NM_001271999.2, NM_001330614.2).
Identifiers: ClinVar variation 2637506 (VCV002637506.1), dbSNP rs140554668, ClinGen allele CA885754.

ClinVar aggregate classification (germline): Likely benign (1 of 4 stars; one submission).

Allele frequency attached by ClinVar (database versions not stated): gnomAD exomes 0.00003; ExAC 0.00005; gnomAD 0.00005; TOPMed 0.00007; 1000 Genomes Project 0.00020; 1000 Genomes Project 30x 0.00031.
gnomAD v4.1: 48 of 1,581,170 alleles (0.003%); highest among the groups gnomAD compares: Admixed American, 0.025%; no homozygotes.

Submission:

Women's Health and Genetics/Laboratory Corporation of America, LabCorp
Classification: Likely benign. Last evaluated: 2023-10-26. Review status: criteria provided, single submitter. Criteria: LabCorp Variant Classification Summary - May 2015. Collection method: clinical testing. Allele origin: germline.
Comment: Variant summary: DOCK7 c.4189+16A>G alters a non-conserved nucleotide located at a position not widely known to affect splicing. Consensus agreement among computation tools predict no significant impact on normal splicing. However, these predictions have yet to be confirmed by functional studies. The variant allele was found at a frequency of 7.2e-05 in 221718 control chromosomes (gnomAD). To our knowledge, no occurrence of c.4189+16A>G in individuals affected with Developmental And Epileptic Encephalopathy, 23 and no experimental evidence demonstrating its impact on protein function have been reported. No submitters have cited clinical-significance assessments for this variant to ClinVar after 2014. Based on the evidence outlined above, the variant was classified as likely benign.